The following is an entry in ClinVar:

ClinVar aggregate classification (germline): Pathogenic (1 of 4 stars; one submission).

Conditions:
Glycogen storage disease, type V (GSD5). Also called: MCARDLE DISEASE; MUSCLE GLYCOGEN PHOSPHORYLASE DEFICIENCY; MYOPHOSPHORYLASE DEFICIENCY; PYGM DEFICIENCY; McArdle type glycogen storage disease. Identifiers: Orphanet 368, MedGen C0017924, MONDO:0009293, OMIM 232600.

Submission:

Labcorp Genetics (formerly Invitae), Labcorp
Classification: Pathogenic for Glycogen storage disease, type V. Last evaluated: 2023-04-16. Review status: criteria provided, single submitter. Criteria: Invitae Variant Classification Sherloc (09022015). Collection method: clinical testing. Allele origin: germline.
Comment: This sequence change creates a premature translational stop signal (p.Leu653Argfs*3) in the PYGM gene. It is expected to result in an absent or disrupted protein product. Loss-of-function variants in PYGM are known to be pathogenic (PMID: 8316268, 16786513). This variant is not present in population databases (gnomAD no frequency). This variant has not been reported in the literature in individuals affected with PYGM-related conditions. For these reasons, this variant has been classified as Pathogenic.

Literature cited by the submitters: PubMed 8316268; PubMed 16786513.

NM_005609.4(PYGM):c.1956_1962del (p.Leu653fs)

Gene: PYGM (glycogen phosphorylase, muscle associated; minus strand). Cytogenetic location: 11q13.1.
Variant type: Deletion.
Coding change: c.1956_1962del on transcript NM_005609.4 (MANE Select); coding-DNA positions 1956 to 1962, 7 bases deleted (ACTGGCC; older notation c.1956_1962delACTGGCC).
Protein change: p.Leu653fs; shifts the reading frame from leucine 653.
Molecular consequence: frameshift variant.
Genome position (GRCh38, 1-based): chr11:64,751,332-64,751,338, GGCCAGT deleted on the plus strand (ACTGGCC on the coding strand, the reverse complement: PYGM is on the minus strand); deleting any 7 consecutive bases within chr11:64,751,332-64,751,339 gives the same sequence; the c. name uses the placement nearest the transcript's 3' end. VCF-style (leftmost placement, unchanged base first): chr11-64751331-CGGCCAGT-C. GRCh37 (hg19) VCF-style: chr11-64518803-CGGCCAGT-C.
Other names: c.1692_1698del, p.Leu565fs (NM_001164716.1); short protein forms L565fs, L653fs.
Identifiers: ClinVar variation 2856916 (VCV002856916.3), dbSNP rs2496650595, ClinGen allele CA2739270503.
Genomic context (GRCh38, chr11:64,751,331, plus strand): 5'-TCCTGAGACTGAACTAGTCAGAGCCTCCCTAGGGTCCCTGTTGGCAGCACCCACCTTTCT[CGGCCAGT>C]GAGACTCGGTAGTTCTCCAGGAAGATGACACGGAGGCGGTCACCCACTGCCGGGTCATGG-3'